The following is an entry in ClinVar:

ClinVar aggregate classification (germline): Uncertain significance (1 of 4 stars; one submission).

Allele frequency attached by ClinVar (database versions not stated): gnomAD exomes 0.00002.
gnomAD v4.1: 13 of 1,613,820 alleles (0.00081%); highest among the groups gnomAD compares: East Asian, 0.011%; no homozygotes.

Submission:

GeneDx
Classification: Uncertain significance. Last evaluated: 2023-07-19. Review status: criteria provided, single submitter. Criteria: GeneDx Variant Classification Process June 2021. Collection method: clinical testing. Allele origin: germline. Affected: yes.
Comment: Not observed at significant frequency in large population cohorts (gnomAD); In silico analysis supports that this missense variant does not alter protein structure/function; Has not been previously published as pathogenic or benign to our knowledge

NM_002609.4(PDGFRB):c.3091G>A (p.Glu1031Lys)

Gene: PDGFRB (platelet derived growth factor receptor beta; minus strand). Cytogenetic location: 5q32.
Variant type: single nucleotide variant.
Coding change: c.3091G>A on transcript NM_002609.4 (MANE Select); coding-DNA position 3091, G replaced by A.
Protein change: p.Glu1031Lys; replaces glutamic acid 1031 with lysine.
Molecular consequence: missense variant.
Genome position (GRCh38, 1-based): chr5:150,117,664, C>T on the plus strand (G>A on the coding strand, the complement: PDGFRB is on the minus strand). VCF-style: chr5-150117664-C-T. GRCh37 (hg19) VCF-style: chr5-149497227-C-T.
Other names: c.2899G>A, p.Glu967Lys (NM_001355016.2); c.2608G>A, p.Glu870Lys (NM_001355017.2); short protein forms E1031K, E870K, E967K.
Identifiers: ClinVar variation 3252844 (VCV003252844.1), dbSNP rs1760001491.